The following is an entry in ClinVar:

NM_002778.4(PSAP):c.1350+1G>A

Gene: PSAP (prosaposin; minus strand). Cytogenetic location: 10q22.1.
Variant type: single nucleotide variant.
Coding change: c.1350+1G>A on transcript NM_002778.4 (MANE Select); the canonical splice donor site of the intron after coding-DNA position 1350, G replaced by A.
Molecular consequence: splice donor variant.
Genome position (GRCh38, 1-based): chr10:71,819,464, C>T on the plus strand (G>A on the coding strand, the complement: PSAP is on the minus strand). VCF-style: chr10-71819464-C-T. GRCh37 (hg19) VCF-style: chr10-73579221-C-T.
Other names: c.1356+1G>A (NM_001042466.3); c.1359+1G>A (NM_001042465.3).
Identifiers: ClinVar variation 1066994 (VCV001066994.7), dbSNP rs2133030537, ClinGen allele CA377142345.

ClinVar aggregate classification (germline): Likely pathogenic (1 of 4 stars; one submission).

Conditions:
Sphingolipid activator protein 1 deficiency. Also called: Saposin B Deficiency; Metachromatic leukodystrophy due to saposin B deficiency; METACHROMATIC LEUKODYSTROPHY DUE TO CEREBROSIDE SULFATASE ACTIVATOR DEFICIENCY. Identifiers: Orphanet 512, MedGen C0268262, MONDO:0009590, OMIM 249900.

Submission:

Labcorp Genetics (formerly Invitae), Labcorp
Classification: Likely pathogenic for Sphingolipid activator protein 1 deficiency. Last evaluated: 2022-10-07. Review status: criteria provided, single submitter. Criteria: Invitae Variant Classification Sherloc (09022015). Collection method: clinical testing. Allele origin: germline.
Comment: This variant has not been reported in the literature in individuals affected with PSAP-related conditions. This sequence change affects a donor splice site in intron 11 of the PSAP gene. It is expected to disrupt RNA splicing. Variants that disrupt the donor or acceptor splice site typically lead to a loss of protein function (PMID: 16199547), and loss-of-function variants in PSAP are known to be pathogenic (PMID: 8554069, 11309366, 17616409, 19267410, 30632081). This variant is not present in population databases (gnomAD no frequency). ClinVar contains an entry for this variant (Variation ID: 1066994). Algorithms developed to predict the effect of sequence changes on RNA splicing suggest that this variant may disrupt the consensus splice site. In summary, the currently available evidence indicates that the variant is pathogenic, but additional data are needed to prove that conclusively. Therefore, this variant has been classified as Likely Pathogenic.

Literature cited by the submitters: PubMed 16199547; PubMed 8554069; PubMed 11309366; PubMed 17616409; PubMed 19267410; PubMed 30632081.